The following is an entry in ClinVar:

NM_000090.4(COL3A1):c.380G>A (p.Gly127Glu)

Gene: COL3A1 (collagen type III alpha 1 chain; plus strand). Cytogenetic location: 2q32.2.
Variant type: single nucleotide variant.
Coding change: c.380G>A on transcript NM_000090.4 (MANE Select); coding-DNA position 380, G replaced by A.
Protein change: p.Gly127Glu; replaces glycine 127 with glutamic acid.
Molecular consequence: missense variant.
Genome position (GRCh38, 1-based): chr2:188,985,711, G>A. VCF-style: chr2-188985711-G-A. GRCh37 (hg19) VCF-style: chr2-189850437-G-A.
Other names: short protein forms G127E.
Identifiers: ClinVar variation 1493186 (VCV001493186.6), dbSNP rs2153501474, ClinGen allele CA349847835.

ClinVar aggregate classification (germline): Uncertain significance (1 of 4 stars; one submission).

Conditions:
Ehlers-Danlos syndrome, type 4 (EDSVASC). Also called: Ehlers-Danlos syndrome vascular type; Ehlers Danlos syndrome, ecchymotic type; Ehlers Danlos syndrome, arterial type; Ehlers Danlos syndrome, Sack-Barabas type; Ehlers-Danlos Syndrome Type IV. Identifiers: Orphanet 286, MedGen C0268338, MONDO:0017314, OMIM 130050.

Submission:

Labcorp Genetics (formerly Invitae), Labcorp
Classification: Uncertain significance for Ehlers-Danlos syndrome, type 4. Last evaluated: 2025-12-14. Review status: criteria provided, single submitter. Criteria: Invitae Variant Classification Sherloc (09022015). Collection method: clinical testing. Allele origin: germline.
Comment: This sequence change replaces glycine, which is neutral and non-polar, with glutamic acid, which is acidic and polar, at codon 127 of the COL3A1 protein (p.Gly127Glu). This variant is not present in population databases (gnomAD no frequency). This missense change has been observed in individual(s) with clinical features of COL3A1-related conditions (internal data). ClinVar contains an entry for this variant (Variation ID: 1493186). Invitae Evidence Modeling of protein sequence and biophysical properties (such as structural, functional, and spatial information, amino acid conservation, physicochemical variation, residue mobility, and thermodynamic stability) indicates that this missense variant is expected to disrupt COL3A1 protein function with a positive predictive value of 95%. In summary, the available evidence is currently insufficient to determine the role of this variant in disease. Therefore, it has been classified as a Variant of Uncertain Significance.